The following is an entry in ClinVar:

ClinVar aggregate classification (germline): Uncertain significance. Review status: criteria provided, multiple submitters, no conflicts (2 of 4 stars). 3 submissions from 3 submitters: Uncertain significance (3). Last evaluated 2023-11-28.

Conditions:
Hereditary cancer-predisposing syndrome. Also called: Hereditary Cancer Syndrome; Neoplastic Syndromes, Hereditary; Tumor predisposition; Hereditary neoplastic syndrome. Identifiers: Orphanet 140162, MedGen C0027672, MeSH D009386, MONDO:0015356.
Breast-ovarian cancer, familial, susceptibility to, 2 (BROVCA2). Also called: BRCA2 Hereditary Breast and Ovarian Cancer. Identifiers: Orphanet 145, MedGen C2675520, MONDO:0012933, OMIM 612555. Disease mechanism: loss of function.
Hereditary breast ovarian cancer syndrome. Also called: Hereditary breast and/or ovarian cancer syndrome; BRCA1- and BRCA2-Associated Hereditary Breast and Ovarian Cancer; Hereditary breast and ovarian cancer syndrome (HBOC); Hereditary breast and ovarian cancer; Hereditary breast and ovarian cancer syndrome; Breast and ovarian cancer. Identifiers: Orphanet 145, MedGen C0677776, MeSH D061325, MONDO:0003582. Disease mechanism: loss of function.

Allele frequency attached by ClinVar (database versions not stated): gnomAD exomes below 0.00001.
gnomAD v4.1: 2 of 1,610,040 alleles (0.00012%); highest among the groups gnomAD compares: Non-Finnish European, 0.00017%; no homozygotes.

Submissions (3):

All of Us Research Program, National Institutes of Health
Classification: Uncertain significance for Breast-ovarian cancer, familial, susceptibility to, 2. Last evaluated: 2023-11-28. Review status: criteria provided, single submitter. Criteria: ACMG Guidelines, 2015. Collection method: clinical testing. Allele origin: germline. Inheritance: Autosomal dominant inheritance. Observed: 1 variant allele, 1 heterozygote.
Comment: This missense variant replaces lysine with glutamic acid at codon 123 of the BRCA2 protein. Computational prediction suggests that this variant may not impact protein structure and function (internally defined REVEL score threshold <= 0.5, PMID: 27666373). To our knowledge, functional studies have not been reported for this variant. This variant has not been reported in individuals affected with hereditary cancer in the literature. This variant has not been identified in the general population by the Genome Aggregation Database (gnomAD). The available evidence is insufficient to determine the role of this variant in disease conclusively. Therefore, this variant is classified as a Variant of Uncertain Significance.

This study involves interpretation of variants in research participants for the purpose of population health screening. Participant phenotype was not available at the time of variant classification. Additional details can be found in publication PMID: 35346344, PMCID: PMC8962531

Labcorp Genetics (formerly Invitae), Labcorp
Classification: Uncertain significance for Hereditary breast ovarian cancer syndrome. Last evaluated: 2023-06-30. Review status: criteria provided, single submitter. Criteria: Invitae Variant Classification Sherloc (09022015). Collection method: clinical testing. Allele origin: germline.
Comment: In summary, the available evidence is currently insufficient to determine the role of this variant in disease. Therefore, it has been classified as a Variant of Uncertain Significance. Advanced modeling of protein sequence and biophysical properties (such as structural, functional, and spatial information, amino acid conservation, physicochemical variation, residue mobility, and thermodynamic stability) performed at Invitae indicates that this missense variant is not expected to disrupt BRCA2 protein function. ClinVar contains an entry for this variant (Variation ID: 229965). This variant has not been reported in the literature in individuals affected with BRCA2-related conditions. This variant is not present in population databases (gnomAD no frequency). This sequence change replaces lysine, which is basic and polar, with glutamic acid, which is acidic and polar, at codon 123 of the BRCA2 protein (p.Lys123Glu).

Ambry Genetics
Classification: Uncertain significance for Hereditary cancer-predisposing syndrome. Last evaluated: 2015-01-06. Review status: criteria provided, single submitter. Criteria: Ambry Variant Classification Scheme 2023. Collection method: clinical testing. Allele origin: germline.
Comment: The p.K123E variant (also known as c.367A>G and 595A>G), located in coding exon 3 of the BRCA2 gene, results from an A to G substitution at nucleotide position 367. The lysine at codon 123 is replaced by glutamic acid, an amino acid with similar properties. This variant was not reported in population based cohorts in the following databases: Database of Single Nucleotide Polymorphisms (dbSNP), NHLBI Exome Sequencing Project (ESP), and 1000 Genomes Project. In the ESP, this variant was not observed in 6502 samples (13004 alleles) with coverage at this position. To date, this alteration has been detected with an allele frequency of approximately 0.001% (greater than 105,000 alleles tested) in our clinical cohort. This amino acid position is not well conserved in available vertebrate species. In addition, this alteration is predicted to be benign by PolyPhen but deleterious by SIFT in silico analyses, respectively. Since supporting evidence is limited at this time, the clinical significance of p.K123E remains unclear.

NM_000059.4(BRCA2):c.367A>G (p.Lys123Glu)

Gene: BRCA2 (BRCA2 DNA repair associated; plus strand). Cytogenetic location: 13q13.1.
Variant type: single nucleotide variant.
Coding change: c.367A>G on transcript NM_000059.4 (MANE Select); coding-DNA position 367, A replaced by G.
Protein change: p.Lys123Glu; replaces lysine 123 with glutamic acid.
Molecular consequence: missense variant.
Genome position (GRCh38, 1-based): chr13:32,325,126, A>G. VCF-style: chr13-32325126-A-G. GRCh37 (hg19) VCF-style: chr13-32899263-A-G.
Other names: short protein forms K123E.
Identifiers: ClinVar variation 229965 (VCV000229965.14), dbSNP rs876658305, ClinGen allele CA10579455.
Genomic context (GRCh38, chr13:32,325,126, plus strand): 5'-ACTGTTTCAGGAAGGAATGTTCCCAATAGTAGACATAAAAGTCTTCGCACAGTGAAAACT[A>G]AAATGGATCAAGCAGATGATGTTTCCTGTCCACTTCTAAATTCTTGTCTTAGTGAAAGGT-3'
Protein context (NP_000050.3, residues 113-133): RHKSLRTVKT[Lys123Glu]MDQADDVSCP